The following is an entry in ClinVar:

NM_007327.4(GRIN1):c.2302T>G (p.Trp768Gly)

Gene: GRIN1 (glutamate ionotropic receptor NMDA type subunit 1; plus strand). Cytogenetic location: 9q34.3.
Variant type: single nucleotide variant.
Coding change: c.2302T>G on transcript NM_007327.4 (MANE Select); coding-DNA position 2302, T replaced by G.
Protein change: p.Trp768Gly; replaces tryptophan 768 with glycine.
Molecular consequence: missense variant.
Genome position (GRCh38, 1-based): chr9:137,163,299, T>G. VCF-style: chr9-137163299-T-G. GRCh37 (hg19) VCF-style: chr9-140057751-T-G.
Other names: c.2302T>G, p.Trp768Gly (NM_000832.7, NM_021569.4); c.2365T>G, p.Trp789Gly (NM_001185090.2, NM_001185091.2); short protein forms W768G, W789G.
Identifiers: ClinVar variation 2662978 (VCV002662978.1), dbSNP rs2538645685, ClinGen allele CA375724473.
Genomic context (GRCh38, chr9:137,163,299, plus strand): 5'-ACGACTGGAGAGCTGTTTTTCCGCTCGGGCTTCGGCATAGGCATGCGCAAAGACAGCCCC[T>G]GGAAGCAGAACGTCTCCCTGTCCATCCTCAAGTGAGTGTCCGTGCGCCCGCGTCCCTCCT-3'
Protein context (NP_015566.1, residues 758-778): FGIGMRKDSP[Trp768Gly]KQNVSLSILK

ClinVar aggregate classification (germline): Uncertain significance (1 of 4 stars; one submission).

Submission:

GeneDx
Classification: Uncertain significance. Last evaluated: 2023-04-04. Review status: criteria provided, single submitter. Criteria: GeneDx Variant Classification Process June 2021. Collection method: clinical testing. Allele origin: germline. Affected: yes.
Comment: Not observed at significant frequency in large population cohorts (gnomAD); In silico analysis supports that this missense variant has a deleterious effect on protein structure/function; Has not been previously published as pathogenic or benign to our knowledge